The following is an entry in ClinVar:

ClinVar aggregate classification (germline): Likely benign. Review status: criteria provided, single submitter (1 of 4 stars). 2 submissions from 2 submitters: Likely benign (1). 1 of the submissions does not count toward it. Last evaluated 2026-01-19.

Conditions:
TONSL-related disorder. Also called: TONSL-related condition.

Allele frequency attached by ClinVar (database versions not stated): gnomAD exomes 0.00003 and 0.00013; gnomAD 0.00005 and 0.00006; TOPMed 0.00007; ExAC 0.00008.
gnomAD v4.1: 60 of 1,611,014 alleles (0.0037%); highest among the groups gnomAD compares: Admixed American, 0.063%; no homozygotes.

Submissions (2):

Labcorp Genetics (formerly Invitae), Labcorp
Classification: Likely benign. Last evaluated: 2026-01-19. Review status: criteria provided, single submitter. Criteria: Invitae Variant Classification Sherloc (09022015). Collection method: clinical testing. Allele origin: germline.

PreventionGenetics, part of Exact Sciences
Classification: Likely benign for TONSL-related condition. Last evaluated: 2023-04-14. Review status: no assertion criteria provided. Collection method: clinical testing. Allele origin: germline. Not counted in ClinVar's aggregate classification.
Comment: This variant is classified as likely benign based on ACMG/AMP sequence variant interpretation guidelines (Richards et al. 2015 PMID: 25741868, with internal and published modifications).

NM_013432.5(TONSL):c.1869C>T (p.Ser623=)

Genes: TONSL (tonsoku like, DNA repair protein; minus strand), TONSL-AS1 (TONSL antisense RNA 1; plus strand). Cytogenetic location: 8q24.3.
Variant type: single nucleotide variant.
Coding change: c.1869C>T on transcript NM_013432.5 (MANE Select); coding-DNA position 1869, C replaced by T.
Protein change: p.Ser623=; no amino-acid change (serine 623 retained).
Molecular consequence: synonymous variant. On other transcripts: non-coding transcript variant (1).
Genome position (GRCh38, 1-based): chr8:144,436,778, G>A on the plus strand (C>T on the coding strand, the complement: TONSL is on the minus strand). VCF-style: chr8-144436778-G-A. GRCh37 (hg19) VCF-style: chr8-145662161-G-A.
Other names: c.1869C>T (NM_013432.4).
Identifiers: ClinVar variation 1546839 (VCV001546839.10), dbSNP rs756598288, ClinGen allele CA4943029.